The following is an entry in ClinVar:

NM_006073.4(TRDN):c.1693G>A (p.Val565Ile)

Gene: TRDN (triadin; minus strand). Cytogenetic location: 6q22.31.
Variant type: single nucleotide variant.
Coding change: c.1693G>A on transcript NM_006073.4 (MANE Select); coding-DNA position 1693, G replaced by A.
Protein change: p.Val565Ile; replaces valine 565 with isoleucine.
Molecular consequence: missense variant.
Genome position (GRCh38, 1-based): chr6:123,271,166, C>T on the plus strand (G>A on the coding strand, the complement: TRDN is on the minus strand). VCF-style: chr6-123271166-C-T. GRCh37 (hg19) VCF-style: chr6-123592311-C-T.
Other names: short protein forms V565I.
Identifiers: ClinVar variation 1001452 (VCV001001452.9), dbSNP rs565178454, ClinGen allele CA147231202.

ClinVar aggregate classification (germline): Uncertain significance (1 of 4 stars; one submission).

Conditions:
Catecholaminergic polymorphic ventricular tachycardia 1. Also called: RYR2-Related Catecholaminergic Polymorphic Ventricular Tachycardia; VENTRICULAR TACHYCARDIA, CATECHOLAMINERGIC POLYMORPHIC, 1, WITH OR WITHOUT ATRIAL DYSFUNCTION AND/OR DILATED CARDIOMYOPATHY; VENTRICULAR TACHYCARDIA, STRESS-INDUCED POLYMORPHIC 1. Identifiers: Orphanet 3286, MedGen C1631597, MONDO:0011484, OMIM 604772.

Allele frequency attached by ClinVar (database versions not stated): gnomAD exomes below 0.00001; TOPMed below 0.00001; 1000 Genomes Project 30x 0.00016; 1000 Genomes Project 0.00020.
gnomAD v4.1: 5 of 1,539,962 alleles (0.00032%); highest among the groups gnomAD compares: East Asian, 0.0072%; no homozygotes.

Submission:

Labcorp Genetics (formerly Invitae), Labcorp
Classification: Uncertain significance for Catecholaminergic polymorphic ventricular tachycardia 1. Last evaluated: 2024-04-24. Review status: criteria provided, single submitter. Criteria: Invitae Variant Classification Sherloc (09022015). Collection method: clinical testing. Allele origin: germline.
Comment: This sequence change replaces valine, which is neutral and non-polar, with isoleucine, which is neutral and non-polar, at codon 565 of the TRDN protein (p.Val565Ile). This variant is not present in population databases (gnomAD no frequency). This variant has not been reported in the literature in individuals affected with TRDN-related conditions. ClinVar contains an entry for this variant (Variation ID: 1001452). Advanced modeling of protein sequence and biophysical properties (such as structural, functional, and spatial information, amino acid conservation, physicochemical variation, residue mobility, and thermodynamic stability) performed at Invitae indicates that this missense variant is not expected to disrupt TRDN protein function with a negative predictive value of 80%. In summary, the available evidence is currently insufficient to determine the role of this variant in disease. Therefore, it has been classified as a Variant of Uncertain Significance.